The following is an entry in ClinVar:

ClinVar aggregate classification (germline): Pathogenic/Likely pathogenic. Review status: criteria provided, multiple submitters, no conflicts (2 of 4 stars). 3 submissions from 3 submitters: Pathogenic (1); Likely pathogenic (2). Last evaluated 2024-12-31.

Conditions:
Autosomal recessive congenital ichthyosis 1 (LI1). Also called: LAMELLAR EXFOLIATION OF NEWBORN; ICHTHYOSIS, CONGENITAL, AUTOSOMAL RECESSIVE 1, WITH BATHING SUIT DISTRIBUTION; COLLODION FETUS; DESQUAMATION OF NEWBORN; ICHTHYOSIS, CONGENITAL, AUTOSOMAL RECESSIVE 1, WITH OR WITHOUT BATHING SUIT DISTRIBUTION; ICHTHYOSIS CONGENITA. Identifiers: MedGen C4551630, MONDO:0009441, OMIM 242300.

Allele frequency attached by ClinVar (database versions not stated): TOPMed below 0.00001.

Submissions (3):

Natera, Inc.
Classification: Likely pathogenic for Autosomal recessive congenital ichthyosis type 1. Last evaluated: 2024-12-31. Review status: criteria provided, single submitter. Criteria: Natera Variant Classification Schema (03/2026). Collection method: clinical testing. Allele origin: germline.
Comment: The c.398del variant in TGM1 is a frameshift variant predicted to shift the reading frame beginning at codon 133 and leads to a stop codon 7 codons downstream. This variant is expected to result in nonsense mediated decay, truncation, or a dysfunctional protein product. This variant is rare in the general population with a frequency below the threshold expected for the associated phenotype(s). Given the available evidence, this variant is classified as Likely Pathogenic.

Baylor Genetics
Classification: Likely pathogenic for Autosomal recessive congenital ichthyosis 1. Last evaluated: 2023-06-22. Review status: criteria provided, single submitter. Criteria: ACMG Guidelines, 2015. Collection method: clinical testing. Allele origin: unknown.

Labcorp Genetics (formerly Invitae), Labcorp
Classification: Pathogenic. Last evaluated: 2022-03-15. Review status: criteria provided, single submitter. Criteria: Invitae Variant Classification Sherloc (09022015). Collection method: clinical testing. Allele origin: germline.
Comment: This sequence change creates a premature translational stop signal (p.Glu133Glyfs*7) in the TGM1 gene. It is expected to result in an absent or disrupted protein product. Loss-of-function variants in TGM1 are known to be pathogenic (PMID: 18948357, 19241467). This variant is not present in population databases (gnomAD no frequency). This variant has not been reported in the literature in individuals affected with TGM1-related conditions. Algorithms developed to predict the effect of sequence changes on RNA splicing suggest that this variant may create or strengthen a splice site. For these reasons, this variant has been classified as Pathogenic.

Literature cited by the submitters: PubMed 18948357 (cited by Labcorp Genetics (formerly Invitae), Labcorp); PubMed 19241467 (cited by Labcorp Genetics (formerly Invitae), Labcorp).

NM_000359.3(TGM1):c.398del (p.Glu133fs)

Gene: TGM1 (transglutaminase 1; minus strand). Cytogenetic location: 14q12.
Variant type: Deletion.
Coding change: c.398del on transcript NM_000359.3 (MANE Select); coding-DNA position 398, one base deleted (A; older notation c.398delA).
Protein change: p.Glu133fs; shifts the reading frame from glutamic acid 133.
Molecular consequence: frameshift variant.
Genome position (GRCh38, 1-based): chr14:24,261,805, T deleted on the plus strand (A on the coding strand, the reverse complement: TGM1 is on the minus strand). VCF-style (leftmost placement, unchanged base first): chr14-24261804-CT-C. GRCh37 (hg19) VCF-style: chr14-24731010-CT-C.
Other names: c.398del (NM_000359.2); short protein forms E133fs.
Identifiers: ClinVar variation 2112759 (VCV002112759.6), dbSNP rs2040811962, ClinGen allele CA2123855947.